The following is an entry in ClinVar:

NM_000094.4(COL7A1):c.1907G>T (p.Gly636Val)

Gene: COL7A1 (collagen type VII alpha 1 chain; minus strand). Cytogenetic location: 3p21.31.
Variant type: single nucleotide variant.
Coding change: c.1907G>T on transcript NM_000094.4 (MANE Select); coding-DNA position 1907, G replaced by T.
Protein change: p.Gly636Val; replaces glycine 636 with valine.
Molecular consequence: missense variant.
Genome position (GRCh38, 1-based): chr3:48,590,356, C>A on the plus strand (G>T on the coding strand, the complement: COL7A1 is on the minus strand). VCF-style: chr3-48590356-C-A. GRCh37 (hg19) VCF-style: chr3-48627789-C-A.
Other names: short protein forms G636V.
Identifiers: ClinVar variation 502658 (VCV000502658.58), dbSNP rs116005007, ClinGen allele CA2381058.

ClinVar aggregate classification (germline): Conflicting classifications of pathogenicity. Review status: criteria provided, conflicting classifications (1 of 4 stars). 14 submissions from 14 submitters: Uncertain significance (3); Benign (1); Likely benign (5). 5 of the submissions do not count toward it. Last evaluated 2026-07-01.

Conditions:
COL7A1-related disorder. Also called: COL7A1-related condition; COL7A1- related disorders.
Nonsyndromic congenital nail disorder 8. Also called: TOENAIL DYSTROPHY, ISOLATED. Identifiers: MedGen C1843761, MONDO:0011852, OMIM 607523.
Recessive dystrophic epidermolysis bullosa (RDEB). Also called: DYSTROPHIC EPIDERMOLYSIS BULLOSA, AUTOSOMAL RECESSIVE; EPIDERMOLYSIS BULLOSA DYSTROPHICA, HALLOPEAU-SIEMENS TYPE; EPIDERMOLYSIS BULLOSA DYSTROPHICA, GENERALIZED SEVERE, AUTOSOMAL RECESSIVE; Hallopeau-Siemens Disease; Epidermolysis Bullosa Distrophica Autosomal Recessive (RDEB); Recessive DEB (RDEB). Identifiers: Orphanet 79408, Orphanet 79409, MedGen C0079474, MONDO:0009179, OMIM 226600.
Epidermolysis bullosa pruriginosa. Also called: DEB, PRURIGINOSA; DYSTROPHIC EPIDERMOLYSIS BULLOSA PRURIGINOSA. Identifiers: Orphanet 89843, MedGen C1275114, MONDO:0011398, OMIM 604129.
Dominant dystrophic epidermolysis bullosa with absence of skin. Also called: EPIDERMOLYSIS BULLOSA DYSTROPHICA, BART TYPE; EPIDERMOLYSIS BULLOSA WITH CONGENITAL LOCALIZED ABSENCE OF SKIN AND DEFORMITY OF NAILS. Identifiers: MedGen C0268371, MONDO:0007557, OMIM 132000.
Pretibial dystrophic epidermolysis bullosa. Also called: Pretibial blistering; EPIDERMOLYSIS BULLOSA DYSTROPHICA, PRETIBIAL; Pretibial epidermolysis bullosa. Identifiers: Orphanet 79410, MedGen C0432321, MONDO:0007552, OMIM 131850, HP:0012221.
Generalized dominant dystrophic epidermolysis bullosa (DDEB). Also called: DDEB, generalized; DDEB-gen; DYSTROPHIC EPIDERMOLYSIS BULLOSA, AUTOSOMAL DOMINANT; Epidermolysis bullosa dystrophica, autosomal dominant; Dominant DEB (DDEB). Identifiers: Orphanet 231568, MedGen C0432322, MONDO:0007549, OMIM 131750.
Transient bullous dermolysis of the newborn (TBDN). Also called: DYSTROPHIC EPIDERMOLYSIS BULLOSA, NEONATAL; EPIDERMOLYSIS BULLOSA DYSTROPHICA, NEONATAL FORM. Identifiers: Orphanet 79411, MedGen C1851573, MONDO:0007548, OMIM 131705.
Epidermolysis bullosa dystrophica. Also called: Dystrophic epidermolysis bullosa, Hallopeau-Siemens type (formerly); Dystrophic epidermolysis bullosa. Identifiers: Orphanet 303, MedGen C0079294, MONDO:0006543.
Epidermolysis bullosa dystrophica inversa, autosomal recessive. Identifiers: MedGen C2673612.

Allele frequency attached by ClinVar (database versions not stated): 1000 Genomes Project 0.00220; 1000 Genomes Project 30x 0.00234; gnomAD 0.00414 and 0.00425; ExAC 0.00421; gnomAD exomes 0.00422 and 0.00640; TOPMed 0.00426; ESP Exome Variant Server 0.00438.
gnomAD v4.1: 9,922 of 1,614,038 alleles (0.61%); highest among the groups gnomAD compares: Non-Finnish European, 0.77%; 42 homozygotes.

Submissions (22):

CeGaT Center for Human Genetics Tuebingen
Classification: Likely benign. Last evaluated: 2026-07-01. Review status: criteria provided, single submitter. Criteria: CeGaT Center For Human Genetics Tuebingen Variant Classification Criteria Version 2. Collection method: clinical testing. Allele origin: germline. Affected: yes. Observed: 5 variant alleles.
Comment: COL7A1: BP4, BS2

Labcorp Genetics (formerly Invitae), Labcorp
Classification: Benign. Last evaluated: 2026-02-01. Review status: criteria provided, single submitter. Criteria: Invitae Variant Classification Sherloc (09022015). Collection method: clinical testing. Allele origin: germline.

Mayo Clinic Laboratories, Mayo Clinic
Classification: Uncertain significance. Last evaluated: 2025-04-15. Review status: criteria provided, single submitter. Criteria: ACMG Guidelines, 2015. Collection method: clinical testing. Allele origin: germline. Observed: 1 variant allele.
Comment: BS1, BS2

Blueprint Genetics
Classification: Likely benign. Last evaluated: 2024-10-30. Review status: criteria provided, single submitter. Criteria: ACMG Guidelines, 2015. Collection method: clinical testing. Allele origin: germline.

Biomedical Innovation Departament, CIEMAT
Classification: Likely benign for Dystrophic epidermolysis bullosa. Last evaluated: 2019-01-28. Review status: criteria provided, single submitter. Criteria: ACMG Guidelines, 2015. Collection method: research. Allele origin: germline. Affected: yes. Observed: 3 variant alleles.

Fulgent Genetics
Classification: Uncertain significance for Transient bullous dermolysis of the newborn; Generalized dominant dystrophic epidermolysis bullosa; Pretibial dystrophic epidermolysis bullosa; Dominant dystrophic epidermolysis bullosa with absence of skin; Recessive dystrophic epidermolysis bullosa; Epidermolysis bullosa pruriginosa; Nonsyndromic congenital nail disorder 8. Last evaluated: 2018-10-31. Review status: criteria provided, single submitter. Criteria: ACMG Guidelines, 2015. Collection method: clinical testing. Allele origin: unknown.

GeneDx
Classification: Likely benign. Last evaluated: 2018-07-10. Review status: criteria provided, single submitter. Criteria: GeneDx Variant Classification Process June 2021. Collection method: clinical testing. Allele origin: germline. Affected: yes.
Comment: This variant is associated with the following publications: (PMID: 32707200, 26076072, 27153395)

Eurofins Ntd Llc (ga)
Classification: Uncertain significance. Last evaluated: 2017-06-22. Review status: criteria provided, single submitter. Criteria: EGL Classification Definitions 2015. Collection method: clinical testing. Allele origin: germline. Observed: 2 variant alleles, 2 heterozygotes.

Illumina Laboratory Services, Illumina
Classification: Likely benign for Dystrophic epidermolysis bullosa. Last evaluated: 2017-04-27. Review status: criteria provided, single submitter. Criteria: ICSL Variant Classification Criteria 13 December 2019. Collection method: clinical testing. Allele origin: germline.
Comment: This variant was observed as part of a predisposition screen in an ostensibly healthy population. A literature search was performed for the gene, cDNA change, and amino acid change (where applicable). Publications were found based on this search. The evidence from the literature, in combination with allele frequency data from public databases where available, was sufficient to determine this variant is unlikely to cause disease. Therefore, this variant is classified as likely benign.

PreventionGenetics, part of Exact Sciences
Classification: Likely benign for COL7A1-related condition. Last evaluated: 2022-09-27. Review status: no assertion criteria provided. Collection method: clinical testing. Allele origin: germline. Not counted in ClinVar's aggregate classification.
Comment: This variant is classified as likely benign based on ACMG/AMP sequence variant interpretation guidelines (Richards et al. 2015 PMID: 25741868, with internal and published modifications).

Natera, Inc.
Classification: Benign for Autosomal recessive epidermolysis bullosa dystrophica inversa. Last evaluated: 2020-01-02. Review status: no assertion criteria provided. Collection method: clinical testing. Allele origin: germline. Not counted in ClinVar's aggregate classification.

Clinical Genetics DNA and cytogenetics Diagnostics Lab, Erasmus MC, Erasmus Medical Center
Classification: Uncertain significance. Review status: no assertion criteria provided. Collection method: clinical testing. Allele origin: germline. Affected: yes. Study: VKGL Data-share Consensus. Not counted in ClinVar's aggregate classification.

Diagnostic Laboratory, Department of Genetics, University Medical Center Groningen
Classification: Uncertain significance. Review status: no assertion criteria provided. Collection method: clinical testing. Allele origin: germline. Affected: yes. Study: VKGL Data-share Consensus. Not counted in ClinVar's aggregate classification.

Dr. Peter K. Rogan Lab, Western University
No classification provided (evidence only). Condition: Uterine corpus endometrial carcinoma. Review status: no classification provided. Collection method: in vitro. Allele origin: not applicable. Functional consequence: retained intron. Not counted in ClinVar's aggregate classification.

Dr. Peter K. Rogan Lab, Western University
No classification provided (evidence only). Condition: Cervical cancer. Review status: no classification provided. Collection method: in vitro. Allele origin: not applicable. Functional consequence: retained intron. Not counted in ClinVar's aggregate classification.

Dr. Peter K. Rogan Lab, Western University
No classification provided (evidence only). Condition: Cervical cancer. Review status: no classification provided. Collection method: in vitro. Allele origin: not applicable. Functional consequence: retained intron. Not counted in ClinVar's aggregate classification.

Dr. Peter K. Rogan Lab, Western University
No classification provided (evidence only). Condition: Sarcoma. Review status: no classification provided. Collection method: in vitro. Allele origin: not applicable. Functional consequence: retained intron. Not counted in ClinVar's aggregate classification.

Dr. Peter K. Rogan Lab, Western University
No classification provided (evidence only). Condition: Gastric cancer. Review status: no classification provided. Collection method: in vitro. Allele origin: not applicable. Functional consequence: retained intron. Not counted in ClinVar's aggregate classification.

Dr. Peter K. Rogan Lab, Western University
No classification provided (evidence only). Condition: Gastric cancer. Review status: no classification provided. Collection method: in vitro. Allele origin: not applicable. Functional consequence: retained intron. Not counted in ClinVar's aggregate classification.

Dr. Peter K. Rogan Lab, Western University
No classification provided (evidence only). Condition: Familial pancreatic carcinoma. Review status: no classification provided. Collection method: in vitro. Allele origin: not applicable. Functional consequence: retained intron. Not counted in ClinVar's aggregate classification.

Dr. Peter K. Rogan Lab, Western University
No classification provided (evidence only). Condition: Ovarian cancer. Review status: no classification provided. Collection method: in vitro. Allele origin: not applicable. Functional consequence: skipped exon, retained intron. Not counted in ClinVar's aggregate classification.

Genome Diagnostics Laboratory, Amsterdam University Medical Center
Classification: Uncertain significance. Review status: no assertion criteria provided. Collection method: clinical testing. Allele origin: germline. Affected: yes. Study: VKGL Data-share Consensus. Not counted in ClinVar's aggregate classification.

Literature cited by the submitters: PubMed 26076072 (cited by 3 submitters); PubMed 32707200 (cited by Mayo Clinic Laboratories, Mayo Clinic); PubMed 33974636 (cited by Mayo Clinic Laboratories, Mayo Clinic); PubMed 18951764 (cited by Illumina Laboratory Services, Illumina); PubMed 27153395 (cited by Illumina Laboratory Services, Illumina).